The following is an entry in ClinVar:

NM_015295.3(SMCHD1):c.1450A>G (p.Thr484Ala)

Gene: SMCHD1 (structural maintenance of chromosomes flexible hinge domain containing 1; plus strand). Cytogenetic location: 18p11.32.
Variant type: single nucleotide variant.
Coding change: c.1450A>G on transcript NM_015295.3 (MANE Select); coding-DNA position 1450, A replaced by G.
Protein change: p.Thr484Ala; replaces threonine 484 with alanine.
Molecular consequence: missense variant.
Genome position (GRCh38, 1-based): chr18:2,700,646, A>G. VCF-style: chr18-2700646-A-G. GRCh37 (hg19) VCF-style: chr18-2700644-A-G.
Other names: c.1450A>G (NM_015295.2); short protein forms T484A.
Identifiers: ClinVar variation 2895370 (VCV002895370.4), dbSNP rs1347835431, ClinGen allele CA401699292.

ClinVar aggregate classification (germline): Uncertain significance. Review status: criteria provided, multiple submitters, no conflicts (2 of 4 stars). 2 submissions from 2 submitters: Uncertain significance (2). Last evaluated 2025-04-02.

Conditions:
Facioscapulohumeral muscular dystrophy 2 (FSHD2). Also called: MUSCULAR DYSTROPHY, FACIOSCAPULOHUMERAL, TYPE 1B; FACIOSCAPULOHUMERAL MUSCULAR DYSTROPHY 2, DIGENIC; FSHD2, DIGENIC. Identifiers: Orphanet 269, MedGen C1834671, MONDO:0008031, OMIM 158901.

Allele frequency attached by ClinVar (database versions not stated): gnomAD exomes below 0.00001.
gnomAD v4.1: 4 of 1,607,474 alleles (0.00025%); highest among the groups gnomAD compares: Non-Finnish European, 0.00034%; no homozygotes.

Submissions (2):

Revvity Omics, Revvity
Classification: Uncertain significance. Last evaluated: 2025-04-02. Review status: criteria provided, single submitter. Criteria: ACMG Guidelines, 2015. Collection method: clinical testing. Allele origin: germline.

Labcorp Genetics (formerly Invitae), Labcorp
Classification: Uncertain significance for Facioscapulohumeral muscular dystrophy 2. Last evaluated: 2023-03-23. Review status: criteria provided, single submitter. Criteria: Invitae Variant Classification Sherloc (09022015). Collection method: clinical testing. Allele origin: germline.
Comment: In summary, the available evidence is currently insufficient to determine the role of this variant in disease. Therefore, it has been classified as a Variant of Uncertain Significance. Advanced modeling of protein sequence and biophysical properties (such as structural, functional, and spatial information, amino acid conservation, physicochemical variation, residue mobility, and thermodynamic stability) performed at Invitae indicates that this missense variant is expected to disrupt SMCHD1 protein function. This variant has not been reported in the literature in individuals affected with SMCHD1-related conditions. The frequency data for this variant in the population databases is considered unreliable, as metrics indicate poor data quality at this position in the gnomAD database. This sequence change replaces threonine, which is neutral and polar, with alanine, which is neutral and non-polar, at codon 484 of the SMCHD1 protein (p.Thr484Ala).